The following is an entry in ClinVar:

NM_006946.4(SPTBN2):c.3263T>A (p.Val1088Glu)

Gene: SPTBN2 (spectrin beta, non-erythrocytic 2; minus strand). Cytogenetic location: 11q13.2.
Variant type: single nucleotide variant.
Coding change: c.3263T>A on transcript NM_006946.4 (MANE Select); coding-DNA position 3263, T replaced by A.
Protein change: p.Val1088Glu; replaces valine 1088 with glutamic acid.
Molecular consequence: missense variant.
Genome position (GRCh38, 1-based): chr11:66,700,836, A>T on the plus strand (T>A on the coding strand, the complement: SPTBN2 is on the minus strand). VCF-style: chr11-66700836-A-T. GRCh37 (hg19) VCF-style: chr11-66468307-A-T.
Other names: c.3284T>A, p.Val1095Glu (NM_001411025.1); short protein forms V1088E, V1095E.
Identifiers: ClinVar variation 2579425 (VCV002579425.1), dbSNP rs1565129127, ClinGen allele CA381475265.

ClinVar aggregate classification (germline): Uncertain significance (1 of 4 stars; one submission).

Allele frequency attached by ClinVar (database versions not stated): gnomAD exomes 0.00001.
gnomAD v4.1: 14 of 1,600,276 alleles (0.00087%); highest among the groups gnomAD compares: Non-Finnish European, 0.0012%; no homozygotes.

Submission:

GeneDx
Classification: Uncertain significance. Last evaluated: 2023-03-10. Review status: criteria provided, single submitter. Criteria: GeneDx Variant Classification Process June 2021. Collection method: clinical testing. Allele origin: germline. Affected: yes.
Comment: In silico analysis supports that this missense variant has a deleterious effect on protein structure/function; Has not been previously published as pathogenic or benign to our knowledge